The following is an entry in ClinVar:

NM_001041.4(SI):c.4025C>A (p.Thr1342Lys)

Gene: SI (sucrase-isomaltase; minus strand). Cytogenetic location: 3q26.1.
Variant type: single nucleotide variant.
Coding change: c.4025C>A on transcript NM_001041.4 (MANE Select); coding-DNA position 4025, C replaced by A.
Protein change: p.Thr1342Lys; replaces threonine 1342 with lysine.
Molecular consequence: missense variant.
Genome position (GRCh38, 1-based): chr3:165,013,017, G>T on the plus strand (C>A on the coding strand, the complement: SI is on the minus strand). VCF-style: chr3-165013017-G-T. GRCh37 (hg19) VCF-style: chr3-164730805-G-T.
Other names: short protein forms T1342K.
Identifiers: ClinVar variation 2130608 (VCV002130608.4), dbSNP rs1192740685, ClinGen allele CA355035435.
Genomic context (GRCh38, chr3:165,013,017, plus strand): 5'-TAGTTAGCCCGTGTAAAACTTACATTAACAGCTTCATCTTCCGTTAGAGTTTTATCTATT[G>T]TTATGTTGGGCAAATCTGGCCAAACCTACAAGAGACAAGACATGGAAAAGCTGATCAAAA-3'
Protein context (NP_001032.2, residues 1332-1352): AKVWPDLPNI[Thr1342Lys]IDKTLTEDEA

ClinVar aggregate classification (germline): Uncertain significance (1 of 4 stars; one submission).

gnomAD v4.1: 2 of 1,610,092 alleles (0.00012%); highest among the groups gnomAD compares: Non-Finnish European, 0.00017%; no homozygotes.

Submission:

Labcorp Genetics (formerly Invitae), Labcorp
Classification: Uncertain significance. Last evaluated: 2022-04-25. Review status: criteria provided, single submitter. Criteria: Invitae Variant Classification Sherloc (09022015). Collection method: clinical testing. Allele origin: germline.
Comment: In summary, the available evidence is currently insufficient to determine the role of this variant in disease. Therefore, it has been classified as a Variant of Uncertain Significance. Algorithms developed to predict the effect of missense changes on protein structure and function are either unavailable or do not agree on the potential impact of this missense change (SIFT: "Deleterious"; PolyPhen-2: "Possibly Damaging"; Align-GVGD: "Class C0"). This variant has not been reported in the literature in individuals affected with SI-related conditions. This variant is not present in population databases (gnomAD no frequency). This sequence change replaces threonine, which is neutral and polar, with lysine, which is basic and polar, at codon 1342 of the SI protein (p.Thr1342Lys).